The following is an entry in ClinVar:

ClinVar aggregate classification (germline): Pathogenic (1 of 4 stars; one submission).

Conditions:
BAP1-related tumor predisposition syndrome (TPDS1). Also called: BAP1 tumor predisposition syndrome; Tumor susceptibility linked to germline BAP1 mutations; COMMON Syndrome; TUMOR PREDISPOSITION SYNDROME 1. Identifiers: Orphanet 289539, MedGen C3280492, MONDO:0013692, OMIM 614327.

Submission:

Labcorp Genetics (formerly Invitae), Labcorp
Classification: Pathogenic for BAP1-related tumor predisposition syndrome. Last evaluated: 2025-04-18. Review status: criteria provided, single submitter. Criteria: Invitae Variant Classification Sherloc (09022015). Collection method: clinical testing. Allele origin: germline.
Comment: This sequence change affects codon 125 of the BAP1 mRNA. It is a 'silent' change, meaning that it does not change the encoded amino acid sequence of the BAP1 protein. RNA analysis indicates that this variant induces altered splicing and may result in an absent or altered protein product. This variant is not present in population databases (gnomAD no frequency). This variant has not been reported in the literature in individuals affected with BAP1-related conditions. ClinVar contains an entry for this variant (Variation ID: 2714940). Variants that disrupt the consensus splice site are a relatively common cause of aberrant splicing (PMID: 17576681, 9536098). Studies have shown that this variant results in activation of a cryptic splice site, and produces a non-functional protein and/or introduces a premature termination codon (internal data). For these reasons, this variant has been classified as Pathogenic.

Literature cited by the submitters: PubMed 17576681; PubMed 9536098.

NM_004656.4(BAP1):c.375G>A (p.Glu125=)

Gene: BAP1 (BRCA1 associated deubiquitinase 1; minus strand). Cytogenetic location: 3p21.1.
Variant type: single nucleotide variant.
Coding change: c.375G>A on transcript NM_004656.4 (MANE Select); coding-DNA position 375, G replaced by A.
Protein change: p.Glu125=; no amino-acid change (glutamic acid 125 retained).
Molecular consequence: synonymous variant.
Genome position (GRCh38, 1-based): chr3:52,407,958, C>T on the plus strand (G>A on the coding strand, the complement: BAP1 is on the minus strand). VCF-style: chr3-52407958-C-T. GRCh37 (hg19) VCF-style: chr3-52441974-C-T.
Other names: c.375G>A, p.Glu125= (NM_001410772.1).
Identifiers: ClinVar variation 2714940 (VCV002714940.3), dbSNP rs2153228070, ClinGen allele CA433777602.
Genomic context (GRCh38, chr3:52,407,958, plus strand): 5'-GCCCTCAGGGTCAGATCTGCCCAGTTGGCTGTGAGCCAGGATGAAGGCACTGCAGCCTAC[C>T]TCAGGGCTGAAACCCTTGGTGAAGTCCTTCATGCGACTCAGGGTGGGTCCCAGGTCCACG-3'
Protein context (NP_004647.1, residues 115-135): MKDFTKGFSP[Glu125=]SKGYAIGNAP